The following is an entry in ClinVar:

ClinVar aggregate classification (germline): Benign. Review status: criteria provided, multiple submitters, no conflicts (2 of 4 stars). 5 submissions from 5 submitters: Benign (5). Last evaluated 2026-02-04.

Conditions:
Fraser syndrome 1 (FRASRS1). Also called: CRYPTOPHTHALMOS WITH OTHER MALFORMATIONS. Identifiers: Orphanet 2052, MedGen C4551480, MONDO:0054737, OMIM 219000.

Allele frequency attached by ClinVar (database versions not stated): gnomAD 0.14336 and 0.13956; TOPMed 0.13480; ESP Exome Variant Server 0.15984; 1000 Genomes Project 30x 0.07870; 1000 Genomes Project 0.07927; gnomAD exomes 0.13503 and 0.18466; ExAC 0.16297.
gnomAD v4.1: 288,126 of 1,605,288 alleles (18%); highest among the groups gnomAD compares: Non-Finnish European, 21%; 29,222 homozygotes.

Submissions (5):

Labcorp Genetics (formerly Invitae), Labcorp
Classification: Benign. Last evaluated: 2026-02-04. Review status: criteria provided, single submitter. Criteria: Invitae Variant Classification Sherloc (09022015). Collection method: clinical testing. Allele origin: germline.

Mayo Clinic Laboratories, Mayo Clinic
Classification: Benign. Last evaluated: 2022-03-09. Review status: criteria provided, single submitter. Criteria: ACMG Guidelines, 2015. Collection method: clinical testing. Allele origin: germline. Observed: 19 variant alleles.

Illumina Laboratory Services, Illumina
Classification: Benign for Fraser syndrome 1. Last evaluated: 2018-01-13. Review status: criteria provided, single submitter. Criteria: ICSL Variant Classification Criteria 13 December 2019. Collection method: clinical testing. Allele origin: germline.
Comment: This variant was observed in the ICSL laboratory as part of a predisposition screen in an ostensibly healthy population. It had not been previously curated by ICSL or reported in the Human Gene Mutation Database (HGMD: prior to June 1st, 2018), and was therefore a candidate for classification through an automated scoring system. Utilizing variant allele frequency, disease prevalence and penetrance estimates, and inheritance mode, an automated score was calculated to assess if this variant is too frequent to cause the disease. Based on the score and internal cut-off values, a variant classified as benign is not then subjected to further curation. The score for this variant resulted in a classification of benign for this disease.

Breakthrough Genomics
Classification: Benign. Review status: criteria provided, single submitter. Criteria: ACMG Guidelines, 2015. Collection method: not provided. Allele origin: germline. Inheritance: Autosomal recessive inheritance. Affected: yes.

PreventionGenetics, part of Exact Sciences
Classification: Benign. Review status: criteria provided, single submitter. Criteria: ACMG Guidelines, 2015. Collection method: clinical testing. Allele origin: germline.

NM_025074.7(FRAS1):c.10683A>T (p.Glu3561Asp)

Gene: FRAS1 (Fraser extracellular matrix complex subunit 1; plus strand). Cytogenetic location: 4q21.21.
Variant type: single nucleotide variant.
Coding change: c.10683A>T on transcript NM_025074.7 (MANE Select); coding-DNA position 10683, A replaced by T.
Protein change: p.Glu3561Asp; replaces glutamic acid 3561 with aspartic acid.
Molecular consequence: missense variant.
Genome position (GRCh38, 1-based): chr4:78,522,683, A>T. VCF-style: chr4-78522683-A-T. GRCh37 (hg19) VCF-style: chr4-79443837-A-T.
Other names: p.Glu3561Asp; short protein forms E3561D.
Identifiers: ClinVar variation 261797 (VCV000261797.15), dbSNP rs931605, ClinGen allele CA2979047.